The following is an entry in ClinVar:

NM_021116.4(ADCY1):c.1800+3A>G

Gene: ADCY1 (adenylate cyclase 1; plus strand). Cytogenetic location: 7p12.3.
Variant type: single nucleotide variant.
Coding change: c.1800+3A>G on transcript NM_021116.4 (MANE Select); 3 bases into the intron after coding-DNA position 1800, A replaced by G.
Molecular consequence: intron variant.
Genome position (GRCh38, 1-based): chr7:45,678,066, A>G. VCF-style: chr7-45678066-A-G. GRCh37 (hg19) VCF-style: chr7-45717665-A-G.
Identifiers: ClinVar variation 1414701 (VCV001414701.6), dbSNP rs2293108, ClinGen allele CA4249033.

ClinVar aggregate classification (germline): Uncertain significance (1 of 4 stars; one submission).

Allele frequency attached by ClinVar (database versions not stated): gnomAD exomes below 0.00001 and 0.00002; ExAC 0.00001; gnomAD 0.00001; TOPMed 0.00003.
gnomAD v4.1: 12 of 1,613,868 alleles (0.00074%); highest among the groups gnomAD compares: East Asian, 0.027%; no homozygotes.

Submission:

Labcorp Genetics (formerly Invitae), Labcorp
Classification: Uncertain significance. Last evaluated: 2026-01-05. Review status: criteria provided, single submitter. Criteria: Invitae Variant Classification Sherloc (09022015). Collection method: clinical testing. Allele origin: germline.
Comment: This sequence change falls in intron 9 of the ADCY1 gene. It does not directly change the encoded amino acid sequence of the ADCY1 protein. It affects a nucleotide within the consensus splice site. This variant is present in population databases (rs2293108, gnomAD 0.01%). This variant has not been reported in the literature in individuals affected with ADCY1-related conditions. ClinVar contains an entry for this variant (Variation ID: 1414701). Variants that disrupt the consensus splice site are a relatively common cause of aberrant splicing (PMID: 17576681, 9536098). Algorithms developed to predict the effect of sequence changes on RNA splicing suggest that this variant is not likely to affect RNA splicing. In summary, the available evidence is currently insufficient to determine the role of this variant in disease. Therefore, it has been classified as a Variant of Uncertain Significance.

Literature cited by the submitters: PubMed 17576681; PubMed 9536098.